The following is an entry in ClinVar:

ClinVar aggregate classification (germline): Likely benign. Review status: criteria provided, multiple submitters, no conflicts (2 of 4 stars). 3 submissions from 3 submitters: Likely benign (3). Last evaluated 2025-08-11.

Conditions:
Carnitine acylcarnitine translocase deficiency (CACTD). Identifiers: Orphanet 159, MedGen C0342791, MONDO:0008918, OMIM 212138.
SLC25A20-related disorder. Also called: SLC25A20-related condition.

Allele frequency attached by ClinVar (database versions not stated): gnomAD 0.00002 and 0.00003; TOPMed 0.00007.
gnomAD v4.1: 6 of 1,614,004 alleles (0.00037%); highest among the groups gnomAD compares: Admixed American, 0.005%; no homozygotes.

Submissions (3):

PreventionGenetics, part of Exact Sciences
Classification: Likely benign for SLC25A20-related condition. Last evaluated: 2025-08-11. Review status: criteria provided, single submitter. Criteria: ACMG Guidelines, 2015. Collection method: clinical testing. Allele origin: germline.
Comment: This variant is classified as likely benign based on ACMG/AMP sequence variant interpretation guidelines (Richards et al. 2015 PMID: 25741868, with internal and published modifications).

Labcorp Genetics (formerly Invitae), Labcorp
Classification: Likely benign for Carnitine acylcarnitine translocase deficiency. Last evaluated: 2025-07-21. Review status: criteria provided, single submitter. Criteria: Invitae Variant Classification Sherloc (09022015). Collection method: clinical testing. Allele origin: germline.

GeneDx
Classification: Likely benign. Last evaluated: 2017-09-20. Review status: criteria provided, single submitter. Criteria: GeneDx Variant Classification (06012015). Collection method: clinical testing. Allele origin: germline. Affected: yes.
Comment: This variant is considered likely benign or benign based on one or more of the following criteria: it is a conservative change, it occurs at a poorly conserved position in the protein, it is predicted to be benign by multiple in silico algorithms, and/or has population frequency not consistent with disease.

NM_000387.6(SLC25A20):c.719-9G>A

Gene: SLC25A20 (solute carrier family 25 member 20; minus strand). Cytogenetic location: 3p21.31.
Variant type: single nucleotide variant.
Coding change: c.719-9G>A on transcript NM_000387.6 (MANE Select); 9 bases into the intron before coding-DNA position 719, G replaced by A.
Molecular consequence: intron variant.
Genome position (GRCh38, 1-based): chr3:48,858,640, C>T on the plus strand (G>A on the coding strand, the complement: SLC25A20 is on the minus strand). VCF-style: chr3-48858640-C-T. GRCh37 (hg19) VCF-style: chr3-48896073-C-T.
Identifiers: ClinVar variation 512087 (VCV000512087.9), dbSNP rs973098577, ClinGen allele CA73980731.